The following is an entry in ClinVar:

ClinVar aggregate classification (germline): Uncertain significance (1 of 4 stars; one submission).

Submission:

Women's Health and Genetics/Laboratory Corporation of America, LabCorp
Classification: Uncertain significance. Last evaluated: 2025-01-30. Review status: criteria provided, single submitter. Criteria: LabCorp Variant Classification Summary - May 2015. Collection method: clinical testing. Allele origin: germline.
Comment: Variant summary: This duplication includes the entire coding sequence of the LDLRAP1 gene. As exact breakpoints are unknown, it may extend beyond the annotated region of the gene, to include other flanking genes. A presumed nomenclature of c.(?_-94)_(*1895_?)dup has been designated for the purposes of this classification. The variant was absent in 21694 control chromosomes in the gnomAD database (Structural Variants v2.1 dataset). The available data on variant occurrences in the general population are insufficient to allow any conclusion about variant significance. To our knowledge, no occurrence of duplication of LDLRAP1 in individuals affected with familial hypercholesterolemia and no experimental evidence demonstrating its impact on protein function have been reported. No submitters have cited clinical-significance assessments for this variant to ClinVar. Based on the evidence outlined above, the variant was classified as uncertain significance.

NC_000001.10:g.(?_25870096)_(25895378_?)dup

Gene: LDLRAP1 (low density lipoprotein receptor adaptor protein 1; plus strand). Cytogenetic location: 1p36.11.
Variant type: Duplication.
Identifiers: ClinVar variation 3769074 (VCV003769074.2).